The following is an entry in ClinVar:

NM_001458.5(FLNC):c.2490C>T (p.Thr830=)

Gene: FLNC (filamin C; plus strand). Cytogenetic location: 7q32.1.
Variant type: single nucleotide variant.
Coding change: c.2490C>T on transcript NM_001458.5 (MANE Select); coding-DNA position 2490, C replaced by T.
Protein change: p.Thr830=; no amino-acid change (threonine 830 retained).
Molecular consequence: synonymous variant.
Genome position (GRCh38, 1-based): chr7:128,842,894, C>T. VCF-style: chr7-128842894-C-T. GRCh37 (hg19) VCF-style: chr7-128482948-C-T.
Other names: c.2490C>T, p.Thr830= (NM_001127487.2).
Identifiers: ClinVar variation 385981 (VCV000385981.20), dbSNP rs777580254, ClinGen allele CA4474744.

ClinVar aggregate classification (germline): Likely benign. Review status: criteria provided, multiple submitters, no conflicts (2 of 4 stars). 7 submissions from 7 submitters: Likely benign (3). 4 of the submissions do not count toward it. Last evaluated 2026-01-16.

Conditions:
Cardiovascular phenotype. Identifiers: MedGen CN230736.
Myofibrillar myopathy 5. Also called: Filaminopathy (type); FILAMINOPATHY, AUTOSOMAL DOMINANT. Identifiers: Orphanet 171445, MedGen C1836050, MONDO:0012289, OMIM 609524.
Hypertrophic cardiomyopathy 26. Also called: Cardiomyopathy, familial hypertrophic, 26. Identifiers: Orphanet 75249, MedGen C4310749, MONDO:0014883, OMIM 617047.
Distal myopathy with posterior leg and anterior hand involvement. Also called: WILLIAMS DISTAL MYOPATHY. Identifiers: Orphanet 63273, MedGen C3279722, MONDO:0013550, OMIM 614065.
FLNC-related disorder. Also called: FLNC-related condition; FLNC-related disorders.

Allele frequency attached by ClinVar (database versions not stated): gnomAD exomes 0.00002 and 0.00004; TOPMed 0.00004; gnomAD 0.00005 and 0.00006; ExAC 0.00006.
gnomAD v4.1: 40 of 1,613,892 alleles (0.0025%); highest among the groups gnomAD compares: African/African-American, 0.0067%; no homozygotes.

Submissions (7):

Labcorp Genetics (formerly Invitae), Labcorp
Classification: Likely benign for Distal myopathy with posterior leg and anterior hand involvement; Myofibrillar myopathy 5; Hypertrophic cardiomyopathy 26. Last evaluated: 2026-01-16. Review status: criteria provided, single submitter. Criteria: Invitae Variant Classification Sherloc (09022015). Collection method: clinical testing. Allele origin: germline.

Ambry Genetics
Classification: Likely benign for Cardiovascular phenotype. Last evaluated: 2020-07-19. Review status: criteria provided, single submitter. Criteria: Ambry Variant Classification Scheme 2023. Collection method: clinical testing. Allele origin: germline.

GeneDx
Classification: Likely benign. Last evaluated: 2016-05-26. Review status: criteria provided, single submitter. Criteria: GeneDx Variant Classification (06012015). Collection method: clinical testing. Allele origin: germline. Affected: yes.
Comment: This variant is considered likely benign or benign based on one or more of the following criteria: it is a conservative change, it occurs at a poorly conserved position in the protein, it is predicted to be benign by multiple in silico algorithms, and/or has population frequency not consistent with disease.

PreventionGenetics, part of Exact Sciences
Classification: Likely benign for FLNC-related condition. Last evaluated: 2021-04-17. Review status: no assertion criteria provided. Collection method: clinical testing. Allele origin: germline. Not counted in ClinVar's aggregate classification.
Comment: This variant is classified as likely benign based on ACMG/AMP sequence variant interpretation guidelines (Richards et al. 2015 PMID: 25741868, with internal and published modifications).

Clinical Genetics, Academic Medical Center
Classification: Benign. Review status: no assertion criteria provided. Collection method: clinical testing. Allele origin: germline. Affected: yes. Study: VKGL Data-share Consensus. Not counted in ClinVar's aggregate classification.

Genome Diagnostics Laboratory, University Medical Center Utrecht
Classification: Likely benign. Review status: no assertion criteria provided. Collection method: clinical testing. Allele origin: germline. Affected: yes. Study: VKGL Data-share Consensus. Not counted in ClinVar's aggregate classification.

Joint Genome Diagnostic Labs from Nijmegen and Maastricht, Radboudumc and MUMC+
Classification: Likely benign. Review status: no assertion criteria provided. Collection method: clinical testing. Allele origin: germline. Affected: yes. Study: VKGL Data-share Consensus. Not counted in ClinVar's aggregate classification.